The following is an entry in ClinVar:

NM_000026.4(ADSL):c.271C>G (p.His91Asp)

Gene: ADSL (adenylosuccinate lyase; plus strand). Cytogenetic location: 22q13.1.
Variant type: single nucleotide variant.
Coding change: c.271C>G on transcript NM_000026.4 (MANE Select); coding-DNA position 271, C replaced by G.
Protein change: p.His91Asp; replaces histidine 91 with aspartic acid.
Molecular consequence: missense variant. On other transcripts: non-coding transcript variant (1).
Genome position (GRCh38, 1-based): chr22:40,349,949, C>G. VCF-style: chr22-40349949-C-G. GRCh37 (hg19) VCF-style: chr22-40745953-C-G.
Other names: c.271C>G, p.His91Asp (NM_001123378.3, NM_001363840.3); c.79C>G, p.His27Asp (NM_001317923.2); short protein forms H27D, H91D.
Identifiers: ClinVar variation 969211 (VCV000969211.7), dbSNP rs755518176, ClinGen allele CA411634902.
Genomic context (GRCh38, chr22:40,349,949, plus strand): 5'-AACATCGACTTCAAGATGGCAGCTGAGGAAGAGAAACGTTTACGACATGATGTGATGGCT[C>G]ACGTGCACACATTTGGCCACTGCTGTCCAAAAGCTGCAGGCATTATTCACCTTGGTGCTA-3'
Protein context (NP_000017.1, residues 81-101): EKRLRHDVMA[His91Asp]VHTFGHCCPK

ClinVar aggregate classification (germline): Uncertain significance (1 of 4 stars; one submission).

Conditions:
Adenylosuccinate lyase deficiency (ADSLD). Also called: ADSL DEFICIENCY. Identifiers: Orphanet 46, MedGen C0268126, MONDO:0007068, OMIM 103050.

Allele frequency attached by ClinVar (database versions not stated): gnomAD 0.00001; TOPMed 0.00003.
gnomAD v4.1: 1 of 1,614,006 alleles (0.000062%); highest among the groups gnomAD compares: African/African-American, 0.0013%; no homozygotes.

Submission:

Labcorp Genetics (formerly Invitae), Labcorp
Classification: Uncertain significance for Adenylosuccinate lyase deficiency. Last evaluated: 2021-08-27. Review status: criteria provided, single submitter. Criteria: Invitae Variant Classification Sherloc (09022015). Collection method: clinical testing. Allele origin: germline.
Comment: This sequence change replaces histidine with aspartic acid at codon 91 of the ADSL protein (p.His91Asp). The histidine residue is highly conserved and there is a moderate physicochemical difference between histidine and aspartic acid. This variant is not present in population databases (ExAC no frequency). This variant has not been reported in the literature in individuals affected with ADSL-related conditions. Algorithms developed to predict the effect of missense changes on protein structure and function (SIFT, PolyPhen-2, Align-GVGD) all suggest that this variant is likely to be disruptive. In summary, the available evidence is currently insufficient to determine the role of this variant in disease. Therefore, it has been classified as a Variant of Uncertain Significance.